The following is an entry in ClinVar:

ClinVar aggregate classification (germline): Likely benign (0 of 4 stars; one submission).

Conditions:
TRAF7-related disorder. Also called: TRAF7-related condition.

Allele frequency attached by ClinVar (database versions not stated): TOPMed 0.00007; gnomAD 0.00011; gnomAD exomes 0.00015; 1000 Genomes Project 0.00020; 1000 Genomes Project 30x 0.00031; ExAC 0.00059.
gnomAD v4.1: 233 of 1,591,756 alleles (0.015%); highest among the groups gnomAD compares: South Asian, 0.18%; no homozygotes.

Submission:

PreventionGenetics, part of Exact Sciences
Classification: Likely benign for TRAF7-related condition. Last evaluated: 2019-06-07. Review status: no assertion criteria provided. Collection method: clinical testing. Allele origin: germline.
Comment: This variant is classified as likely benign based on ACMG/AMP sequence variant interpretation guidelines (Richards et al. 2015 PMID: 25741868, with internal and published modifications).

NM_032271.3(TRAF7):c.723G>A (p.Pro241=)

Gene: TRAF7 (TNF receptor associated factor 7; plus strand). Cytogenetic location: 16p13.3.
Variant type: single nucleotide variant.
Coding change: c.723G>A on transcript NM_032271.3 (MANE Select); coding-DNA position 723, G replaced by A.
Protein change: p.Pro241=; no amino-acid change (proline 241 retained).
Molecular consequence: synonymous variant.
Genome position (GRCh38, 1-based): chr16:2,172,528, G>A. VCF-style: chr16-2172528-G-A. GRCh37 (hg19) VCF-style: chr16-2222529-G-A.
Identifiers: ClinVar variation 3043714 (VCV003043714.2), dbSNP rs564325600, ClinGen allele CA7834701.
Genomic context (GRCh38, chr16:2,172,528, plus strand): 5'-CCACGAGGGCAGCTGTGACTACAGGCCTGTGCGGTGTCCCAACAACCCCAGCTGCCCCCC[G>A]CTGCTCAGGATGAACCTGGAGGCCCACCTCAAGGAGTGCGAGCACATCAAATGCCCCCAC-3'
Protein context (NP_115647.2, residues 231-251): VRCPNNPSCP[Pro241=]LLRMNLEAHL